The following is an entry in ClinVar:

NM_002907.4(RECQL):c.1253A>G (p.Tyr418Cys)

Gene: RECQL (RecQ like helicase; minus strand). Cytogenetic location: 12p12.1.
Variant type: single nucleotide variant.
Coding change: c.1253A>G on transcript NM_002907.4 (MANE Select); coding-DNA position 1253, A replaced by G.
Protein change: p.Tyr418Cys; replaces tyrosine 418 with cysteine.
Molecular consequence: missense variant.
Genome position (GRCh38, 1-based): chr12:21,474,943, T>C on the plus strand (A>G on the coding strand, the complement: RECQL is on the minus strand). VCF-style: chr12-21474943-T-C. GRCh37 (hg19) VCF-style: chr12-21627877-T-C.
Other names: c.1253A>G, p.Tyr418Cys (NM_032941.3); short protein forms Y418C.
Identifiers: ClinVar variation 5028059 (VCV005028059.1).

ClinVar aggregate classification (germline): Uncertain significance (1 of 4 stars; one submission).

Submission:

Ambry Genetics
Classification: Uncertain significance. Last evaluated: 2026-08-22. Review status: criteria provided, single submitter. Criteria: Ambry Variant Classification Scheme 2023. Collection method: clinical testing. Allele origin: germline.
Comment: The p.Y418C variant (also known as c.1253A>G), located in coding exon 10 of the RECQL gene, results from an A to G substitution at nucleotide position 1253. The tyrosine at codon 418 is replaced by cysteine, an amino acid with highly dissimilar properties. This amino acid position is conserved. In addition, the in silico prediction for this alteration is inconclusive. Based on the available evidence, the clinical significance of this variant remains unclear.